The following is an entry in ClinVar:

ClinVar aggregate classification (germline): Conflicting classifications of pathogenicity. Review status: criteria provided, conflicting classifications (1 of 4 stars). 2 submissions from 2 submitters: Uncertain significance (1); Likely benign (1). Last evaluated 2026-08-24.

Conditions:
Rhabdoid tumor predisposition syndrome 2 (RTPS2). Identifiers: Orphanet 231108, Orphanet 69077, MedGen C2750074, MONDO:0013224, OMIM 613325.
Hereditary cancer-predisposing syndrome. Also called: Tumor predisposition; Hereditary Cancer Syndrome; Hereditary neoplastic syndrome; Neoplastic Syndromes, Hereditary. Identifiers: Orphanet 140162, MedGen C0027672, MeSH D009386, MONDO:0015356.

Submissions (2):

Ambry Genetics
Classification: Likely benign for Hereditary cancer-predisposing syndrome. Last evaluated: 2026-08-24. Review status: criteria provided, single submitter. Criteria: Ambry Variant Classification Scheme 2023. Collection method: clinical testing. Allele origin: germline.

Labcorp Genetics (formerly Invitae), Labcorp
Classification: Uncertain significance for Rhabdoid tumor predisposition syndrome 2. Last evaluated: 2022-03-03. Review status: criteria provided, single submitter. Criteria: Invitae Variant Classification Sherloc (09022015). Collection method: clinical testing. Allele origin: germline.
Comment: In summary, the available evidence is currently insufficient to determine the role of this variant in disease. Therefore, it has been classified as a Variant of Uncertain Significance. This variant has not been reported in the literature in individuals affected with SMARCA4-related conditions. This variant is not present in population databases (gnomAD no frequency). This sequence change replaces glutamine, which is neutral and polar, with histidine, which is basic and polar, at codon 1411 of the SMARCA4 protein (p.Gln1411His). ClinVar contains an entry for this variant (Variation ID: 1037186). Algorithms developed to predict the effect of missense changes on protein structure and function (SIFT, PolyPhen-2, Align-GVGD) all suggest that this variant is likely to be tolerated.

NM_001387283.1(SMARCA4):c.4233G>C (p.Gln1411His)

Gene: SMARCA4 (SWI/SNF related BAF chromatin remodeling complex subunit ATPase 4; plus strand). Cytogenetic location: 19p13.2.
Variant type: single nucleotide variant.
Coding change: c.4233G>C on transcript NM_001387283.1 (MANE Plus Clinical); coding-DNA position 4233, G replaced by C.
Protein change: p.Gln1411His; replaces glutamine 1411 with histidine.
Molecular consequence: missense variant. On other transcripts: intron variant (7).
Genome position (GRCh38, 1-based): chr19:11,039,520, G>C. VCF-style: chr19-11039520-G-C. GRCh37 (hg19) VCF-style: chr19-11150196-G-C.
Other names: c.4233G>C (NM_001128849.1); c.4072-1778G>C (NM_001128846.2, NM_001128845.2); c.4072-1787G>C (NM_001128848.2, NM_001128847.4, NM_001374457.1); c.4233G>C, p.Gln1411His (NM_001128849.3); c.4171-1787G>C (NM_001128844.3, NM_003072.5); short protein forms Q1411H.
Identifiers: ClinVar variation 1037186 (VCV001037186.11), dbSNP rs780721689, ClinGen allele CA404071654.